The following is an entry in ClinVar:

ClinVar aggregate classification (germline): Uncertain significance (1 of 4 stars; one submission).

Submission:

GeneDx
Classification: Uncertain significance. Last evaluated: 2021-03-16. Review status: criteria provided, single submitter. Criteria: GeneDx Variant Classification Process June 2021. Collection method: clinical testing. Allele origin: germline. Affected: yes.
Comment: Not observed in large population cohorts (Lek et al., 2016); In silico analysis, which includes protein predictors and evolutionary conservation, supports a deleterious effect; Has not been previously published as pathogenic or benign to our knowledge

NM_006744.4(RBP4):c.441T>G (p.Cys147Trp)

Gene: RBP4 (retinol binding protein 4; minus strand). Cytogenetic location: 10q23.33.
Variant type: single nucleotide variant.
Coding change: c.441T>G on transcript NM_006744.4 (MANE Select); coding-DNA position 441, T replaced by G.
Protein change: p.Cys147Trp; replaces cysteine 147 with tryptophan.
Molecular consequence: missense variant.
Genome position (GRCh38, 1-based): chr10:93,593,950, A>C on the plus strand (T>G on the coding strand, the complement: RBP4 is on the minus strand). VCF-style: chr10-93593950-A-C. GRCh37 (hg19) VCF-style: chr10-95353707-A-C.
Other names: c.441T>G, p.Cys147Trp (NM_001323517.1); c.435T>G, p.Cys145Trp (NM_001323518.2); short protein forms C145W, C147W.
Identifiers: ClinVar variation 1195426 (VCV001195426.2), dbSNP rs1589684011, ClinGen allele CA377615673.